The following is an entry in ClinVar:

ClinVar aggregate classification (germline): Uncertain significance (1 of 4 stars; one submission).

Conditions:
Hereditary cancer-predisposing syndrome. Also called: Neoplastic Syndromes, Hereditary; Tumor predisposition; Hereditary neoplastic syndrome; Hereditary Cancer Syndrome. Identifiers: Orphanet 140162, MedGen C0027672, MeSH D009386, MONDO:0015356.

gnomAD v4.1: 1 of 1,611,672 alleles (0.000062%); highest among the groups gnomAD compares: African/African-American, 0.0013%; no homozygotes.

Submission:

Ambry Genetics
Classification: Uncertain significance for Hereditary cancer-predisposing syndrome. Last evaluated: 2023-01-24. Review status: criteria provided, single submitter. Criteria: Ambry Variant Classification Scheme 2023. Collection method: clinical testing. Allele origin: germline.
Comment: The p.E962D variant (also known as c.2886G>T), located in coding exon 18 of the RAD50 gene, results from a G to T substitution at nucleotide position 2886. The glutamic acid at codon 962 is replaced by aspartic acid, an amino acid with highly similar properties. This amino acid position is well conserved in available vertebrate species. In addition, this alteration is predicted to be tolerated by in silico analysis. Since supporting evidence is limited at this time, the clinical significance of this alteration remains unclear.

NM_005732.4(RAD50):c.2886G>T (p.Glu962Asp)

Gene: RAD50 (RAD50 double strand break repair protein; plus strand). Cytogenetic location: 5q31.1.
Variant type: single nucleotide variant.
Coding change: c.2886G>T on transcript NM_005732.4 (MANE Select); coding-DNA position 2886, G replaced by T.
Protein change: p.Glu962Asp; replaces glutamic acid 962 with aspartic acid.
Molecular consequence: missense variant.
Genome position (GRCh38, 1-based): chr5:132,609,173, G>T. VCF-style: chr5-132609173-G-T. GRCh37 (hg19) VCF-style: chr5-131944865-G-T.
Other names: short protein forms E962D.
Identifiers: ClinVar variation 2451421 (VCV002451421.2), dbSNP rs746546513, ClinGen allele CA360959761.